The following is an entry in ClinVar:

ClinVar aggregate classification (germline): Uncertain significance (1 of 4 stars; one submission).

Submission:

Ambry Genetics
Classification: Uncertain significance. Last evaluated: 2021-08-05. Review status: criteria provided, single submitter. Criteria: Ambry Variant Classification Scheme 2023. Collection method: clinical testing. Allele origin: germline.
Comment: The p.H232Q variant (also known as c.696C>A), located in coding exon 3 of the ALPK2 gene, results from a C to A substitution at nucleotide position 696. The histidine at codon 232 is replaced by glutamine, an amino acid with highly similar properties. This amino acid position is conserved. In addition, this alteration is predicted to be tolerated by in silico analysis. Since supporting evidence is limited at this time, the clinical significance of this alteration remains unclear.

NM_052947.4(ALPK2):c.696C>A (p.His232Gln)

Genes: ALPK2 (alpha kinase 2; minus strand), LOC114803473 (ALPK2 eExon liver enhancer; plus strand). Cytogenetic location: 18q21.31.
Variant type: single nucleotide variant.
Coding change: c.696C>A on transcript NM_052947.4 (MANE Select); coding-DNA position 696, C replaced by A.
Protein change: p.His232Gln; replaces histidine 232 with glutamine.
Molecular consequence: missense variant.
Genome position (GRCh38, 1-based): chr18:58,580,080, G>T on the plus strand (C>A on the coding strand, the complement: ALPK2 is on the minus strand). VCF-style: chr18-58580080-G-T. GRCh37 (hg19) VCF-style: chr18-56247312-G-T.
Other names: short protein forms H232Q.
Identifiers: ClinVar variation 1756356 (VCV001756356.2), dbSNP rs200129061, ClinGen allele CA402567412.